The following is an entry in ClinVar:

ClinVar aggregate classification (germline): Likely pathogenic (1 of 4 stars; one submission).

Conditions:
PMM2-congenital disorder of glycosylation. Also called: CDG Ia; Congenital disorder of glycosylation, type Ia; JAEKEN SYNDROME; PHOSPHOMANNOMUTASE 2 DEFICIENCY; CARBOHYDRATE-DEFICIENT GLYCOPROTEIN SYNDROME, TYPE Ia; PMM2-CDG. Identifiers: Orphanet 79318, MedGen C0349653, MONDO:0008907, OMIM 212065.

Submission:

Myriad Genetics, Inc.
Classification: Likely pathogenic for PMM2-congenital disorder of glycosylation. Last evaluated: 2021-12-17. Review status: criteria provided, single submitter. Criteria: Myriad Women's Health Autosomal Recessive and X-Linked Classification Criteria (2021). Collection method: clinical testing. Allele origin: unknown.
Comment: NM_000303.2(PMM2):c.76A>T(K26*) is expected to be pathogenic in the context of congenital disorder of glycosylation type Ia. This variant is predicted to lead to an abnormal or absent protein product due to the creation of a premature termination codon in PMM2, a gene where loss-of-function variants are known to be pathogenic. Please note: this variant was assessed in the context of healthy population screening.

NM_000303.3(PMM2):c.76A>T (p.Lys26Ter)

Gene: PMM2 (phosphomannomutase 2; plus strand). Cytogenetic location: 16p13.2.
Variant type: single nucleotide variant.
Coding change: c.76A>T on transcript NM_000303.3 (MANE Select); coding-DNA position 76, A replaced by T.
Protein change: p.Lys26Ter; replaces lysine 26 with a stop codon.
Molecular consequence: nonsense.
Genome position (GRCh38, 1-based): chr16:8,801,808, A>T. VCF-style: chr16-8801808-A-T. GRCh37 (hg19) VCF-style: chr16-8895665-A-T.
Other names: short protein forms K26*.
Identifiers: ClinVar variation 1726395 (VCV001726395.2), dbSNP rs1403917706, ClinGen allele CA394695136.